The following is an entry in ClinVar:

ClinVar aggregate classification (germline): Likely benign (0 of 4 stars; one submission).

Conditions:
CUBN-related disorder. Also called: CUBN-related condition.

Allele frequency attached by ClinVar (database versions not stated): TOPMed 0.00001; ESP Exome Variant Server 0.00008.
gnomAD v4.1: 7 of 1,614,166 alleles (0.00043%); highest among the groups gnomAD compares: Non-Finnish European, 0.00059%; no homozygotes.

Submission:

PreventionGenetics, part of Exact Sciences
Classification: Likely benign for CUBN-related condition. Last evaluated: 2019-02-22. Review status: no assertion criteria provided. Collection method: clinical testing. Allele origin: germline.
Comment: This variant is classified as likely benign based on ACMG/AMP sequence variant interpretation guidelines (Richards et al. 2015 PMID: 25741868, with internal and published modifications).

NM_001081.4(CUBN):c.9975A>G (p.Leu3325=)

Gene: CUBN (cubilin; minus strand). Cytogenetic location: 10p13.
Variant type: single nucleotide variant.
Coding change: c.9975A>G on transcript NM_001081.4 (MANE Select); coding-DNA position 9975, A replaced by G.
Protein change: p.Leu3325=; no amino-acid change (leucine 3325 retained).
Molecular consequence: synonymous variant.
Genome position (GRCh38, 1-based): chr10:16,840,387, T>C on the plus strand (A>G on the coding strand, the complement: CUBN is on the minus strand). VCF-style: chr10-16840387-T-C. GRCh37 (hg19) VCF-style: chr10-16882386-T-C.
Identifiers: ClinVar variation 3058346 (VCV003058346.2), dbSNP rs368123616, ClinGen allele CA5422534.